The following is an entry in ClinVar:

NM_006267.5(RANBP2):c.8983C>G (p.Pro2995Ala)

Gene: RANBP2 (RAN binding protein 2; plus strand). Cytogenetic location: 2q13.
Variant type: single nucleotide variant.
Coding change: c.8983C>G on transcript NM_006267.5 (MANE Select); coding-DNA position 8983, C replaced by G.
Protein change: p.Pro2995Ala; replaces proline 2995 with alanine.
Molecular consequence: missense variant.
Genome position (GRCh38, 1-based): chr2:108,782,350, C>G. VCF-style: chr2-108782350-C-G. GRCh37 (hg19) VCF-style: chr2-109398806-C-G.
Other names: c.9061C>G, p.Pro3021Ala (NM_001415871.1); c.8980C>G, p.Pro2994Ala (NM_001415872.1); c.9007C>G, p.Pro3003Ala (NM_001415873.1); short protein forms P2994A, P2995A, P3003A, P3021A.
Identifiers: ClinVar variation 2574468 (VCV002574468.1), dbSNP rs373123838, ClinGen allele CA1823948.

ClinVar aggregate classification (germline): Uncertain significance (1 of 4 stars; one submission).

Allele frequency attached by ClinVar (database versions not stated): ExAC 0.00001; ESP Exome Variant Server 0.00008; 1000 Genomes Project 0.00020; 1000 Genomes Project 30x 0.00031.
gnomAD v4.1: 3 of 1,614,102 alleles (0.00019%); highest among the groups gnomAD compares: African/African-American, 0.004%; no homozygotes.

Submission:

GeneDx
Classification: Uncertain significance. Last evaluated: 2023-01-27. Review status: criteria provided, single submitter. Criteria: GeneDx Variant Classification Process June 2021. Collection method: clinical testing. Allele origin: germline. Affected: yes.
Comment: In silico analysis supports that this missense variant has a deleterious effect on protein structure/function; Has not been previously published as pathogenic or benign to our knowledge